The following is an entry in ClinVar:

NM_030665.4(RAI1):c.1579C>G (p.Arg527Gly)

Gene: RAI1 (retinoic acid induced 1; plus strand). Cytogenetic location: 17p11.2.
Variant type: single nucleotide variant.
Coding change: c.1579C>G on transcript NM_030665.4 (MANE Select); coding-DNA position 1579, C replaced by G.
Protein change: p.Arg527Gly; replaces arginine 527 with glycine.
Molecular consequence: missense variant.
Genome position (GRCh38, 1-based): chr17:17,794,527, C>G. VCF-style: chr17-17794527-C-G. GRCh37 (hg19) VCF-style: chr17-17697841-C-G.
Other names: short protein forms R527G.
Identifiers: ClinVar variation 1506862 (VCV001506862.8), dbSNP rs769601755, ClinGen allele CA8418364.

ClinVar aggregate classification (germline): Uncertain significance (1 of 4 stars; one submission).

gnomAD v4.1: 1 of 1,612,768 alleles (0.000062%); highest among the groups gnomAD compares: Non-Finnish European, 0.000085%; no homozygotes.

Submission:

Labcorp Genetics (formerly Invitae), Labcorp
Classification: Uncertain significance. Last evaluated: 2022-02-04. Review status: criteria provided, single submitter. Criteria: Invitae Variant Classification Sherloc (09022015). Collection method: clinical testing. Allele origin: germline.
Comment: In summary, the available evidence is currently insufficient to determine the role of this variant in disease. Therefore, it has been classified as a Variant of Uncertain Significance. Algorithms developed to predict the effect of missense changes on protein structure and function (SIFT, PolyPhen-2, Align-GVGD) all suggest that this variant is likely to be disruptive. This variant has not been reported in the literature in individuals affected with RAI1-related conditions. This variant is present in population databases (rs769601755, gnomAD 0.0009%). This sequence change replaces arginine, which is basic and polar, with glycine, which is neutral and non-polar, at codon 527 of the RAI1 protein (p.Arg527Gly).